The following is an entry in ClinVar:

ClinVar aggregate classification (germline): Uncertain significance (1 of 4 stars; one submission).

Conditions:
Juvenile polyposis syndrome (JPS). Identifiers: Orphanet 2929, MedGen C0345893, MONDO:0017380, OMIM 174900.

Submission:

Labcorp Genetics (formerly Invitae), Labcorp
Classification: Uncertain significance for Juvenile polyposis syndrome. Last evaluated: 2023-09-03. Review status: criteria provided, single submitter. Criteria: Invitae Variant Classification Sherloc (09022015). Collection method: clinical testing. Allele origin: germline.
Comment: This sequence change replaces leucine, which is neutral and non-polar, with tryptophan, which is neutral and slightly polar, at codon 11 of the BMPR1A protein (p.Leu11Trp). This variant is not present in population databases (gnomAD no frequency). This variant has not been reported in the literature in individuals affected with BMPR1A-related conditions. ClinVar contains an entry for this variant (Variation ID: 1003807). Advanced modeling of protein sequence and biophysical properties (such as structural, functional, and spatial information, amino acid conservation, physicochemical variation, residue mobility, and thermodynamic stability) performed at Invitae indicates that this missense variant is not expected to disrupt BMPR1A protein function. In summary, the available evidence is currently insufficient to determine the role of this variant in disease. Therefore, it has been classified as a Variant of Uncertain Significance.

NM_004329.3(BMPR1A):c.32T>G (p.Leu11Trp)

Gene: BMPR1A (bone morphogenetic protein receptor type 1A; plus strand). Cytogenetic location: 10q23.2.
Variant type: single nucleotide variant.
Coding change: c.32T>G on transcript NM_004329.3 (MANE Select); coding-DNA position 32, T replaced by G.
Protein change: p.Leu11Trp; replaces leucine 11 with tryptophan.
Molecular consequence: missense variant.
Genome position (GRCh38, 1-based): chr10:86,876,050, T>G. VCF-style: chr10-86876050-T-G. GRCh37 (hg19) VCF-style: chr10-88635807-T-G.
Other names: short protein forms L11W.
Identifiers: ClinVar variation 1003807 (VCV001003807.10), dbSNP rs1842917459, ClinGen allele CA377774806.